The following is an entry in ClinVar:

ClinVar aggregate classification (germline): Benign/Likely benign. Review status: criteria provided, multiple submitters, no conflicts (2 of 4 stars). 2 submissions from 2 submitters: Benign (1); Likely benign (1). Last evaluated 2018-10-24.

Conditions:
Sarcoglycanopathy. Identifiers: Orphanet 207052, MedGen C2936331, MONDO:0016140.

Allele frequency attached by ClinVar (database versions not stated): gnomAD exomes 0.00093; 1000 Genomes Project 0.00499; 1000 Genomes Project 30x 0.00515; gnomAD 0.00651 and 0.00705; TOPMed 0.00772.
gnomAD v4.1: 1,222 of 399,862 alleles (0.31%); highest among the groups gnomAD compares: African/African-American, 2.2%; 15 homozygotes.

Submissions (2):

GeneDx
Classification: Likely benign. Last evaluated: 2018-10-24. Review status: criteria provided, single submitter. Criteria: GeneDx Variant Classification Process June 2021. Collection method: clinical testing. Allele origin: germline. Affected: yes.

Illumina Laboratory Services, Illumina
Classification: Benign for Sarcoglycanopathy. Last evaluated: 2018-01-13. Review status: criteria provided, single submitter. Criteria: ICSL Variant Classification Criteria 13 December 2019. Collection method: clinical testing. Allele origin: germline.
Comment: This variant was observed in the ICSL laboratory as part of a predisposition screen in an ostensibly healthy population. It had not been previously curated by ICSL or reported in the Human Gene Mutation Database (HGMD: prior to June 1st, 2018), and was therefore a candidate for classification through an automated scoring system. Utilizing variant allele frequency, disease prevalence and penetrance estimates, and inheritance mode, an automated score was calculated to assess if this variant is too frequent to cause the disease. Based on the score and internal cut-off values, a variant classified as benign is not then subjected to further curation. The score for this variant resulted in a classification of benign for this disease.

NM_000231.3(SGCG):c.*296G>A

Gene: SGCG (sarcoglycan gamma; plus strand). Cytogenetic location: 13q12.12.
Variant type: single nucleotide variant.
Coding change: c.*296G>A on transcript NM_000231.3 (MANE Select); 296 bases downstream of the stop codon, G replaced by A.
Molecular consequence: 3 prime UTR variant.
Genome position (GRCh38, 1-based): chr13:23,324,837, G>A. VCF-style: chr13-23324837-G-A. GRCh37 (hg19) VCF-style: chr13-23898976-G-A.
Other names: c.*296G>A (NM_001378244.1, NM_001378245.1, NM_001378246.1).
Identifiers: ClinVar variation 881920 (VCV000881920.6), dbSNP rs115862132, ClinGen allele CA246641684.
Genomic context (GRCh38, chr13:23,324,837, plus strand): 5'-ACTGGATTAATTTTCACCGGAACAATTGCGAATTCTCTCTGCCTCGCCTCCCCCTATCTT[G>A]TCCGTGTGGGCACACACTGAGTGTTGAGTTGCCGTGTGGAGTTAATGTATGACGCTCCAC-3'